The following is an entry in ClinVar:

NM_016239.4(MYO15A):c.5210G>A (p.Arg1737Gln)

Gene: MYO15A (myosin XVA; plus strand). Cytogenetic location: 17p11.2.
Variant type: single nucleotide variant.
Coding change: c.5210G>A on transcript NM_016239.4 (MANE Select); coding-DNA position 5210, G replaced by A.
Protein change: p.Arg1737Gln; replaces arginine 1737 with glutamine.
Molecular consequence: missense variant.
Genome position (GRCh38, 1-based): chr17:18,139,610, G>A. VCF-style: chr17-18139610-G-A. GRCh37 (hg19) VCF-style: chr17-18042924-G-A.
Other names: short protein forms R1737Q.
Identifiers: ClinVar variation 322148 (VCV000322148.10), dbSNP rs369518617, ClinGen allele CA8424182.
Genomic context (GRCh38, chr17:18,139,610, plus strand): 5'-ACAAGAACCACGACCAAGTGCGCCAGGATGTGCTGGACCTGTTCGTACGGAGCCGGACAC[G>A]GGTAAGCCTCGCCTCCCACCGCTCTGGCCCTGCCCCCAGGCATGTCCCCACCCCCACACC-3'
Protein context (NP_057323.3, residues 1727-1747): VLDLFVRSRT[Arg1737Gln]VVAHLFSSHA

ClinVar aggregate classification (germline): Uncertain significance. Review status: criteria provided, multiple submitters, no conflicts (2 of 4 stars). 3 submissions from 3 submitters: Uncertain significance (3). Last evaluated 2025-09-09.

Conditions:
Autosomal recessive nonsyndromic hearing loss 3. Also called: NEUROSENSORY NONSYNDROMIC RECESSIVE DEAFNESS 3. Identifiers: Orphanet 90636, MedGen C1838263, MONDO:0010860, OMIM 600316.
Inborn genetic diseases. Identifiers: MedGen C0950123, MeSH D030342.

Allele frequency attached by ClinVar (database versions not stated): gnomAD exomes 0.00005; gnomAD 0.00006; TOPMed 0.00006; ExAC 0.00008; ESP Exome Variant Server 0.00008.
gnomAD v4.1: 165 of 1,613,694 alleles (0.01%); highest among the groups gnomAD compares: Non-Finnish European, 0.013%; no homozygotes.

Submissions (3):

Ambry Genetics
Classification: Uncertain significance for Inborn genetic diseases. Last evaluated: 2025-09-09. Review status: criteria provided, single submitter. Criteria: Ambry Variant Classification Scheme 2023. Collection method: clinical testing. Allele origin: germline.

Laboratory for Molecular Medicine, Mass General Brigham Personalized Medicine
Classification: Uncertain significance. Last evaluated: 2019-10-11. Review status: criteria provided, single submitter. Criteria: LMM Criteria. Collection method: clinical testing. Allele origin: germline. Observed: 1 variant allele.
Comment: The p.Arg1737Gln variant in MYO15A has not been previously reported in individuals with hearing loss and has been identified in 0.009% (12/127984) of European chromosomes by gnomAD. This variant has also been reported in ClinVar (Variation ID 322148). Computational prediction tools and conservation analysis suggest that this variant may not impact the protein, though this information is not predictive enough to rule out pathogenicity. In summary, the clinical significance of this variant is uncertain. ACMG/AMP Criteria applied: PM2, BP4.

Illumina Laboratory Services, Illumina
Classification: Uncertain significance for Autosomal recessive nonsyndromic hearing loss 3. Last evaluated: 2018-01-12. Review status: criteria provided, single submitter. Criteria: ICSL Variant Classification Criteria 13 December 2019. Collection method: clinical testing. Allele origin: germline.